The following is an entry in ClinVar:

NM_015346.4(ZFYVE26):c.5989C>T (p.Gln1997Ter)

Gene: ZFYVE26 (zinc finger FYVE-type containing 26; minus strand). Cytogenetic location: 14q24.1.
Variant type: single nucleotide variant.
Coding change: c.5989C>T on transcript NM_015346.4 (MANE Select); coding-DNA position 5989, C replaced by T.
Protein change: p.Gln1997Ter; replaces glutamine 1997 with a stop codon.
Molecular consequence: nonsense.
Genome position (GRCh38, 1-based): chr14:67,766,249, G>A on the plus strand (C>T on the coding strand, the complement: ZFYVE26 is on the minus strand). VCF-style: chr14-67766249-G-A. GRCh37 (hg19) VCF-style: chr14-68232966-G-A.
Other names: short protein forms Q1997*.
Identifiers: ClinVar variation 2684007 (VCV002684007.1), dbSNP rs753792077, ClinGen allele CA7239343.

ClinVar aggregate classification (germline): Likely pathogenic (1 of 4 stars; one submission).

Allele frequency attached by ClinVar (database versions not stated): ExAC 0.00001.
gnomAD v4.1: 1 of 1,614,100 alleles (0.000062%); highest among the groups gnomAD compares: Non-Finnish European, 0.000085%; no homozygotes.

Submission:

Athena Diagnostics
Classification: Likely pathogenic. Last evaluated: 2022-10-15. Review status: criteria provided, single submitter. Criteria: Athena Diagnostics Criteria. Collection method: clinical testing. Allele origin: unknown.
Comment: This variant is expected to result in the loss of a functional protein. The frequency of this variant in the general population is consistent with pathogenicity.